The following is an entry in ClinVar:

ClinVar aggregate classification (germline): Uncertain significance. Review status: criteria provided, multiple submitters, no conflicts (2 of 4 stars). 2 submissions from 2 submitters: Uncertain significance (2). Last evaluated 2025-10-08.

Conditions:
Hereditary cancer-predisposing syndrome. Also called: Tumor predisposition; Hereditary Cancer Syndrome; Hereditary neoplastic syndrome; Neoplastic Syndromes, Hereditary. Identifiers: Orphanet 140162, MedGen C0027672, MeSH D009386, MONDO:0015356.
Retinoblastoma (RB1). Also called: RETINOBLASTOMA, SOMATIC. Identifiers: Orphanet 790, MedGen C0035335, MeSH D012175, MONDO:0008380, OMIM 180200, HP:0009919. Disease mechanism: loss of function. Inheritance: Both sporadic and heritable forms are tested..

Allele frequency attached by ClinVar (database versions not stated): gnomAD exomes below 0.00001.
gnomAD v4.1: 2 of 1,611,148 alleles (0.00012%); highest among the groups gnomAD compares: South Asian, 0.0022%; no homozygotes.

Submissions (2):

Ambry Genetics
Classification: Uncertain significance for Hereditary cancer-predisposing syndrome. Last evaluated: 2025-10-08. Review status: criteria provided, single submitter. Criteria: Ambry Variant Classification Scheme 2023. Collection method: clinical testing. Allele origin: germline.
Comment: The p.E204V variant (also known as c.611A>T), located in coding exon 7 of the RB1 gene, results from an A to T substitution at nucleotide position 611. The glutamic acid at codon 204 is replaced by valine, an amino acid with dissimilar properties. This amino acid position is conserved. In addition, the in silico prediction for this alteration is inconclusive. Based on the available evidence, the clinical significance of this variant remains unclear.

Labcorp Genetics (formerly Invitae), Labcorp
Classification: Uncertain significance for Retinoblastoma. Last evaluated: 2023-04-17. Review status: criteria provided, single submitter. Criteria: Invitae Variant Classification Sherloc (09022015). Collection method: clinical testing. Allele origin: germline.
Comment: This sequence change replaces glutamic acid, which is acidic and polar, with valine, which is neutral and non-polar, at codon 204 of the RB1 protein (p.Glu204Val). This variant is present in population databases (no rsID available, gnomAD 0.003%). In summary, the available evidence is currently insufficient to determine the role of this variant in disease. Therefore, it has been classified as a Variant of Uncertain Significance. Advanced modeling of protein sequence and biophysical properties (such as structural, functional, and spatial information, amino acid conservation, physicochemical variation, residue mobility, and thermodynamic stability) performed at Invitae indicates that this missense variant is not expected to disrupt RB1 protein function. ClinVar contains an entry for this variant (Variation ID: 2090565). This variant has not been reported in the literature in individuals affected with RB1-related conditions.

NM_000321.3(RB1):c.611A>T (p.Glu204Val)

Gene: RB1 (RB transcriptional corepressor 1; plus strand). Cytogenetic location: 13q14.2.
Variant type: single nucleotide variant.
Coding change: c.611A>T on transcript NM_000321.3 (MANE Select); coding-DNA position 611, A replaced by T.
Protein change: p.Glu204Val; replaces glutamic acid 204 with valine.
Molecular consequence: missense variant.
Genome position (GRCh38, 1-based): chr13:48,360,020, A>T. VCF-style: chr13-48360020-A-T. GRCh37 (hg19) VCF-style: chr13-48934156-A-T.
Other names: c.611A>T, p.Glu204Val (NM_001407165.1, NM_001407166.1); short protein forms E204V.
Identifiers: ClinVar variation 2090565 (VCV002090565.5), dbSNP rs1446210103, ClinGen allele CA388158097.